The following is an entry in ClinVar:

ClinVar aggregate classification (germline): Pathogenic (1 of 4 stars; one submission).

Conditions:
Familial intrahepatic cholestasis. Identifiers: Orphanet 284385, MedGen CN296401, MONDO:0017290.

Submission:

Genomenon, Inc
Classification: Pathogenic for Familial intrahepatic cholestasis. Last evaluated: 2026-04-14. Review status: criteria provided, single submitter. Criteria: Genomenon Sequence Variant Interpretation Standards - Updated. Collection method: curation. Allele origin: germline. Affected: yes.
Comment: ABCB11 p.Gln1194Ter (c.3580C>T) is a nonsense variant that introduces a premature stop codon at amino acid position 1194, creating a truncated protein that is predicted to undergo nonsense-mediated mRNA decay. This variant has been observed in at least one proband with an ABCB11-related disorder (PMID:32942997). It is absent or not present at a significant frequency in gnomAD. In conclusion, we classify ABCB11 p.Gln1194Ter (c.3580C>T) as a pathogenic variant.

Literature cited by the submitters: PubMed 32942997.

NM_003742.4(ABCB11):c.3580C>T (p.Gln1194Ter)

Gene: ABCB11 (ATP binding cassette subfamily B member 11; minus strand). Cytogenetic location: 2q31.1.
Variant type: single nucleotide variant.
Coding change: c.3580C>T on transcript NM_003742.4 (MANE Select); coding-DNA position 3580, C replaced by T.
Protein change: p.Gln1194Ter; replaces glutamine 1194 with a stop codon.
Molecular consequence: nonsense.
Genome position (GRCh38, 1-based): chr2:168,927,194, G>A on the plus strand (C>T on the coding strand, the complement: ABCB11 is on the minus strand). VCF-style: chr2-168927194-G-A. GRCh37 (hg19) VCF-style: chr2-169783704-G-A.
Other names: short protein forms Q1194*.
Identifiers: ClinVar variation 4846122 (VCV004846122.1).